The following is an entry in ClinVar:

NM_006445.4(PRPF8):c.6930G>T (p.Arg2310Ser)

Gene: PRPF8 (pre-mRNA processing factor 8; minus strand). Cytogenetic location: 17p13.3.
Variant type: single nucleotide variant.
Coding change: c.6930G>T on transcript NM_006445.4 (MANE Select); coding-DNA position 6930, G replaced by T.
Protein change: p.Arg2310Ser; replaces arginine 2310 with serine.
Molecular consequence: missense variant.
Genome position (GRCh38, 1-based): chr17:1,650,880, C>A on the plus strand (G>T on the coding strand, the complement: PRPF8 is on the minus strand). VCF-style: chr17-1650880-C-A. GRCh37 (hg19) VCF-style: chr17-1554174-C-A.
Other names: short protein forms R2310S.
Identifiers: ClinVar variation 2152269 (VCV002152269.5), dbSNP rs1911001854, ClinGen allele CA397562009.

ClinVar aggregate classification (germline): Pathogenic. Review status: criteria provided, multiple submitters, no conflicts (2 of 4 stars). 2 submissions from 2 submitters: Pathogenic (2). Last evaluated 2022-01-28.

Conditions:
PRPF8-related disorder. Also called: PRPF8-related condition.

Submissions (2):

Labcorp Genetics (formerly Invitae), Labcorp
Classification: Pathogenic. Last evaluated: 2022-01-28. Review status: criteria provided, single submitter. Criteria: Invitae Variant Classification Sherloc (09022015). Collection method: clinical testing. Allele origin: germline.
Comment: This missense change has been observed in individuals with autosomal dominant retinitis pigmentosa (PMID: 20232351, 30360737). It has also been observed to segregate with disease in related individuals. For these reasons, this variant has been classified as Pathogenic. This variant disrupts the p.Arg2310 amino acid residue in PRPF8. Other variant(s) that disrupt this residue have been determined to be pathogenic (PMID: 11468273, 12714658, 16799052, 28515276). This suggests that this residue is clinically significant, and that variants that disrupt this residue are likely to be disease-causing. Algorithms developed to predict the effect of missense changes on protein structure and function are either unavailable or do not agree on the potential impact of this missense change (SIFT: "Deleterious"; PolyPhen-2: "Probably Damaging"; Align-GVGD: "Class C0"). This variant is not present in population databases (gnomAD no frequency). This sequence change replaces arginine, which is basic and polar, with serine, which is neutral and polar, at codon 2310 of the PRPF8 protein (p.Arg2310Ser).

Blueprint Genetics
Classification: Pathogenic for PRPF8-related disorders. Last evaluated: 2020-02-11. Review status: criteria provided, single submitter. Criteria: ACMG Guidelines, 2015. Collection method: clinical testing. Allele origin: germline. Affected: yes. Observed: 1 variant allele.

Literature cited by the submitters: PubMed 20232351 (cited by Labcorp Genetics (formerly Invitae), Labcorp); PubMed 30360737 (cited by Labcorp Genetics (formerly Invitae), Labcorp); PubMed 11468273 (cited by Labcorp Genetics (formerly Invitae), Labcorp); PubMed 12714658 (cited by Labcorp Genetics (formerly Invitae), Labcorp); PubMed 16799052 (cited by Labcorp Genetics (formerly Invitae), Labcorp); PubMed 28515276 (cited by Labcorp Genetics (formerly Invitae), Labcorp).